The following is an entry in ClinVar:

ClinVar aggregate classification (germline): Uncertain significance (1 of 4 stars; one submission).

Conditions:
Hereditary sensory and autonomic neuropathy type 7. Also called: HSAN VII; Neuropathy, hereditary sensory and autonomic, type VII. Identifiers: Orphanet 391397, MedGen C3809882, MONDO:0014244, OMIM 615548.
Familial episodic pain syndrome with predominantly lower limb involvement. Also called: Episodic pain syndrome, familial, 3. Identifiers: Orphanet 391384, Orphanet 391392, MedGen C3809899, MONDO:0014247, OMIM 615552.

gnomAD v4.1: 6 of 1,613,650 alleles (0.00037%); highest among the groups gnomAD compares: Non-Finnish European, 0.00051%; no homozygotes.

Submission:

Labcorp Genetics (formerly Invitae), Labcorp
Classification: Uncertain significance for Familial episodic pain syndrome with predominantly lower limb involvement; Hereditary sensory and autonomic neuropathy type 7. Last evaluated: 2025-11-08. Review status: criteria provided, single submitter. Criteria: Invitae Variant Classification Sherloc (09022015). Collection method: clinical testing. Allele origin: germline.
Comment: This sequence change replaces cysteine, which is neutral and slightly polar, with serine, which is neutral and polar, at codon 1434 of the SCN11A protein (p.Cys1434Ser). This variant is not present in population databases (gnomAD no frequency). This variant has not been reported in the literature in individuals affected with SCN11A-related conditions. ClinVar contains an entry for this variant (Variation ID: 2938917). An algorithm developed to predict the effect of missense changes on protein structure and function outputs the following: PolyPhen-2: "Benign". The serine amino acid residue is found in multiple mammalian species, which suggests that this missense change does not adversely affect protein function. In summary, the available evidence is currently insufficient to determine the role of this variant in disease. Therefore, it has been classified as a Variant of Uncertain Significance.

NM_001349253.2(SCN11A):c.4301G>C (p.Cys1434Ser)

Gene: SCN11A (sodium voltage-gated channel alpha subunit 11; minus strand). Cytogenetic location: 3p22.2.
Variant type: single nucleotide variant.
Coding change: c.4301G>C on transcript NM_001349253.2 (MANE Select); coding-DNA position 4301, G replaced by C.
Protein change: p.Cys1434Ser; replaces cysteine 1434 with serine.
Molecular consequence: missense variant.
Genome position (GRCh38, 1-based): chr3:38,850,507, C>G on the plus strand (G>C on the coding strand, the complement: SCN11A is on the minus strand). VCF-style: chr3-38850507-C-G. GRCh37 (hg19) VCF-style: chr3-38891998-C-G.
Other names: c.4301G>C, p.Cys1434Ser (NM_014139.3); short protein forms C1434S.
Identifiers: ClinVar variation 2938917 (VCV002938917.3), dbSNP rs765274047, ClinGen allele CA352165272.